The following is an entry in ClinVar:

ClinVar aggregate classification (germline): Uncertain significance. Review status: criteria provided, multiple submitters, no conflicts (2 of 4 stars). 2 submissions from 2 submitters: Uncertain significance (2). Last evaluated 2025-06-18.

Allele frequency attached by ClinVar (database versions not stated): ExAC 0.00003; gnomAD 0.00003; TOPMed 0.00002; ESP Exome Variant Server 0.00008.
gnomAD v4.1: 29 of 1,611,058 alleles (0.0018%); highest among the groups gnomAD compares: Admixed American, 0.0084%; no homozygotes.

Submissions (2):

Ambry Genetics
Classification: Uncertain significance. Last evaluated: 2025-06-18. Review status: criteria provided, single submitter. Criteria: Ambry Variant Classification Scheme 2023. Collection method: clinical testing. Allele origin: germline.

Labcorp Genetics (formerly Invitae), Labcorp
Classification: Uncertain significance. Last evaluated: 2025-05-27. Review status: criteria provided, single submitter. Criteria: Invitae Variant Classification Sherloc (09022015). Collection method: clinical testing. Allele origin: germline.
Comment: This sequence change replaces aspartic acid, which is acidic and polar, with valine, which is neutral and non-polar, at codon 98 of the IFT88 protein (p.Asp98Val). This variant is present in population databases (rs372975558, gnomAD 0.006%). This variant has not been reported in the literature in individuals affected with IFT88-related conditions. ClinVar contains an entry for this variant (Variation ID: 1903794). An algorithm developed to predict the effect of missense changes on protein structure and function (PolyPhen-2) suggests that this variant is likely to be tolerated. In summary, the available evidence is currently insufficient to determine the role of this variant in disease. Therefore, it has been classified as a Variant of Uncertain Significance.

NM_006531.5(IFT88):c.266A>T (p.Asp89Val)

Gene: IFT88 (intraflagellar transport 88; plus strand). Cytogenetic location: 13q12.11.
Variant type: single nucleotide variant.
Coding change: c.266A>T on transcript NM_006531.5 (MANE Select); coding-DNA position 266, A replaced by T.
Protein change: p.Asp89Val; replaces aspartic acid 89 with valine.
Molecular consequence: missense variant. On other transcripts: 5 prime UTR variant (1), non-coding transcript variant (5).
Genome position (GRCh38, 1-based): chr13:20,591,619, A>T. VCF-style: chr13-20591619-A-T. GRCh37 (hg19) VCF-style: chr13-21165758-A-T.
Other names: c.293A>T (NM_175605.3); c.209A>T, p.Asp70Val (NM_001318491.2, NM_001353573.2, NM_001353574.2 and 1 more transcripts); c.293A>T, p.Asp98Val (NM_001318493.2, NM_001353565.2, NM_001353566.2 and 6 more transcripts); c.266A>T, p.Asp89Val (NM_001353568.2, NM_001353571.2, NM_001353572.2 and 1 more transcripts); c.-298A>T (NM_001353579.2); short protein forms D89V, D70V, D98V.
Identifiers: ClinVar variation 1903794 (VCV001903794.6), dbSNP rs372975558, ClinGen allele CA6905029.